The following is an entry in ClinVar:

NM_005732.4(RAD50):c.1370T>C (p.Leu457Pro)

Gene: RAD50 (RAD50 double strand break repair protein; plus strand). Cytogenetic location: 5q31.1.
Variant type: single nucleotide variant.
Coding change: c.1370T>C on transcript NM_005732.4 (MANE Select); coding-DNA position 1370, T replaced by C.
Protein change: p.Leu457Pro; replaces leucine 457 with proline.
Molecular consequence: missense variant.
Genome position (GRCh38, 1-based): chr5:132,589,755, T>C. VCF-style: chr5-132589755-T-C. GRCh37 (hg19) VCF-style: chr5-131925447-T-C.
Other names: c.1370T>C (NM_005732.3); short protein forms L457P.
Identifiers: ClinVar variation 1020586 (VCV001020586.10), dbSNP rs1422355694, ClinGen allele CA360944386.

ClinVar aggregate classification (germline): Uncertain significance. Review status: criteria provided, multiple submitters, no conflicts (2 of 4 stars). 2 submissions from 2 submitters: Uncertain significance (2). Last evaluated 2025-12-21.

Conditions:
Hereditary cancer-predisposing syndrome. Also called: Hereditary Cancer Syndrome; Neoplastic Syndromes, Hereditary; Tumor predisposition; Hereditary neoplastic syndrome. Identifiers: Orphanet 140162, MedGen C0027672, MeSH D009386, MONDO:0015356.

Allele frequency attached by ClinVar (database versions not stated): TOPMed below 0.00001; gnomAD exomes below 0.00001.
gnomAD v4.1: 1 of 1,613,698 alleles (0.000062%); highest among the groups gnomAD compares: African/African-American, 0.0013%; no homozygotes.

Submissions (2):

Ambry Genetics
Classification: Uncertain significance for Hereditary cancer-predisposing syndrome. Last evaluated: 2025-12-21. Review status: criteria provided, single submitter. Criteria: Ambry Variant Classification Scheme 2023. Collection method: clinical testing. Allele origin: germline.
Comment: The p.L457P variant (also known as c.1370T>C), located in coding exon 9 of the RAD50 gene, results from a T to C substitution at nucleotide position 1370. The leucine at codon 457 is replaced by proline, an amino acid with similar properties. This amino acid position is conserved. In addition, the in silico prediction for this alteration is inconclusive. Based on the available evidence, the clinical significance of this variant remains unclear.

Labcorp Genetics (formerly Invitae), Labcorp
Classification: Uncertain significance for Hereditary cancer-predisposing syndrome. Last evaluated: 2023-09-04. Review status: criteria provided, single submitter. Criteria: Invitae Variant Classification Sherloc (09022015). Collection method: clinical testing. Allele origin: germline.
Comment: This sequence change replaces leucine, which is neutral and non-polar, with proline, which is neutral and non-polar, at codon 457 of the RAD50 protein (p.Leu457Pro). This variant is present in population databases (no rsID available, gnomAD 0.007%). This variant has not been reported in the literature in individuals affected with RAD50-related conditions. ClinVar contains an entry for this variant (Variation ID: 1020586). Advanced modeling of protein sequence and biophysical properties (such as structural, functional, and spatial information, amino acid conservation, physicochemical variation, residue mobility, and thermodynamic stability) performed at Invitae indicates that this missense variant is expected to disrupt RAD50 protein function. In summary, the available evidence is currently insufficient to determine the role of this variant in disease. Therefore, it has been classified as a Variant of Uncertain Significance.